The following is an entry in ClinVar:

ClinVar aggregate classification (germline): Uncertain significance (1 of 4 stars; one submission).

Conditions:
Cardiovascular phenotype. Identifiers: MedGen CN230736.

Submission:

Ambry Genetics
Classification: Uncertain significance for Cardiovascular phenotype. Last evaluated: 2026-05-28. Review status: criteria provided, single submitter. Criteria: Ambry Variant Classification Scheme 2023. Collection method: clinical testing. Allele origin: germline.
Comment: The p.A21G variant (also known as c.62C>G), located in coding exon 1 of the TXNRD2 gene, results from a C to G substitution at nucleotide position 62. The alanine at codon 21 is replaced by glycine, an amino acid with similar properties. This amino acid position is conserved. In addition, this alteration is predicted to be tolerated by in silico analysis. Based on the available evidence, the clinical significance of this variant remains unclear.

NM_006440.5(TXNRD2):c.62C>G (p.Ala21Gly)

Genes: TXNRD2 (thioredoxin reductase 2; minus strand), LOC130066960 (ATAC-STARR-seq lymphoblastoid silent region 13467; plus strand). Cytogenetic location: 22q11.21.
Variant type: single nucleotide variant.
Coding change: c.62C>G on transcript NM_006440.5 (MANE Select); coding-DNA position 62, C replaced by G.
Protein change: p.Ala21Gly; replaces alanine 21 with glycine.
Molecular consequence: missense variant. On other transcripts: non-coding transcript variant (1).
Genome position (GRCh38, 1-based): chr22:19,941,742, G>C on the plus strand (C>G on the coding strand, the complement: TXNRD2 is on the minus strand). VCF-style: chr22-19941742-G-C. GRCh37 (hg19) VCF-style: chr22-19929265-G-C.
Other names: c.62C>G, p.Ala21Gly (NM_001282512.3, NM_001352300.2); c.-247G>C (NM_000754.3); short protein forms A21G.
Identifiers: ClinVar variation 4866278 (VCV004866278.1).